The following is an entry in ClinVar:

ClinVar aggregate classification (germline): Benign. Review status: criteria provided, single submitter (1 of 4 stars). 3 submissions from 1 submitter: Benign (3). Last evaluated 2018-01-13.

Conditions:
Hearing loss, X-linked 1 (DFNX1). Also called: DEAFNESS, X-LINKED 1; DEAFNESS, X-LINKED 2, SENSORINEURAL CONGENITAL; DFNX1 Nonsyndromic Hearing Loss and Deafness; DFNX1 Nonsyndromic Sensorineural Hearing Loss (DFN2). Identifiers: Orphanet 90625, MedGen C1844677, MONDO:0010577, OMIM 304500.
Arts syndrome (ARTS). Also called: MENTAL RETARDATION, X-LINKED, SYNDROMIC 18; MENTAL RETARDATION, X-LINKED, SYNDROMIC, ARTS TYPE; ARTS SYNDROME AND PHOSPHORIBOSYLPYROPHOSPHATE SYNTHETASE SUPERACTIVITY. Identifiers: Orphanet 1187, MedGen C0796028, MONDO:0010533, OMIM 301835.
Phosphoribosylpyrophosphate synthetase superactivity. Identifiers: Orphanet 3222, MedGen C1970827, MONDO:0010395, OMIM 300661.

Allele frequency attached by ClinVar (database versions not stated): gnomAD 0.00002 and 0.00032; TOPMed 0.00009; gnomAD exomes 0.00075; 1000 Genomes Project 30x 0.00333; 1000 Genomes Project 0.00397.
gnomAD v4.1: 605 of 865,899 alleles (0.07%); highest among the groups gnomAD compares: South Asian, 1.4%; 3 homozygotes.

Submissions (3):

Illumina Laboratory Services, Illumina
Classification: Benign for Arts syndrome. Last evaluated: 2018-01-13. Review status: criteria provided, single submitter. Criteria: ICSL Variant Classification Criteria 13 December 2019. Collection method: clinical testing. Allele origin: germline.
Comment: This variant was observed in the ICSL laboratory as part of a predisposition screen in an ostensibly healthy population. It had not been previously curated by ICSL or reported in the Human Gene Mutation Database (HGMD: prior to June 1st, 2018), and was therefore a candidate for classification through an automated scoring system. Utilizing variant allele frequency, disease prevalence and penetrance estimates, and inheritance mode, an automated score was calculated to assess if this variant is too frequent to cause the disease. Based on the score and internal cut-off values, a variant classified as benign is not then subjected to further curation. The score for this variant resulted in a classification of benign for this disease.

Illumina Laboratory Services, Illumina
Classification: Benign for Hearing loss, X-linked 1. Last evaluated: 2018-01-13. Review status: criteria provided, single submitter. Criteria: ICSL Variant Classification Criteria 13 December 2019. Collection method: clinical testing. Allele origin: germline.
Comment: the same text as in the submission from Illumina Laboratory Services, Illumina above.

Illumina Laboratory Services, Illumina
Classification: Benign for Phosphoribosylpyrophosphate synthetase superactivity. Last evaluated: 2018-01-13. Review status: criteria provided, single submitter. Criteria: ICSL Variant Classification Criteria 13 December 2019. Collection method: clinical testing. Allele origin: germline.
Comment: the same text as in the submission from Illumina Laboratory Services, Illumina above.

NM_002764.4(PRPS1):c.*178G>A

Gene: PRPS1 (phosphoribosyl pyrophosphate synthetase 1; plus strand). Cytogenetic location: Xq22.3.
Variant type: single nucleotide variant.
Coding change: c.*178G>A on transcript NM_002764.4 (MANE Select); 178 bases downstream of the stop codon, G replaced by A.
Molecular consequence: 3 prime UTR variant.
Genome position (GRCh38, 1-based): chrX:107,650,210, G>A. VCF-style: chrX-107650210-G-A. GRCh37 (hg19) VCF-style: chrX-106893440-G-A.
Other names: c.*178G>A (NM_001204402.2).
Identifiers: ClinVar variation 367706 (VCV000367706.5), dbSNP rs576933222, ClinGen allele CA10651585.
Genomic context (GRCh38, chrX:107,650,210, plus strand): 5'-CACATCAGGTATATTAGAGCTTATCCGAACTGGGGAAAGACGGATTGAGATTAACTGCTG[G>A]GACCTCCTACCTGCATTATCTCATTCTGGCTTCCTTGATAATTCTGTGGGCCTTGCAGCT-3'